The following is an entry in ClinVar:

NM_002234.4(KCNA5):c.234G>C (p.Leu78Phe)

Gene: KCNA5 (potassium voltage-gated channel subfamily A member 5; plus strand). Cytogenetic location: 12p13.32.
Variant type: single nucleotide variant.
Coding change: c.234G>C on transcript NM_002234.4 (MANE Select); coding-DNA position 234, G replaced by C.
Protein change: p.Leu78Phe; replaces leucine 78 with phenylalanine.
Molecular consequence: missense variant.
Genome position (GRCh38, 1-based): chr12:5,044,381, G>C. VCF-style: chr12-5044381-G-C. GRCh37 (hg19) VCF-style: chr12-5153547-G-C.
Other names: c.234G>C (NM_002234.2); short protein forms L78F.
Identifiers: ClinVar variation 2070664 (VCV002070664.5), dbSNP rs1290369036, ClinGen allele CA383462149.

ClinVar aggregate classification (germline): Uncertain significance. Review status: criteria provided, multiple submitters, no conflicts (2 of 4 stars). 2 submissions from 2 submitters: Uncertain significance (2). Last evaluated 2025-08-19.

Conditions:
Inborn genetic diseases. Identifiers: MedGen C0950123, MeSH D030342.
Atrial fibrillation, familial, 7 (ATFB7). Identifiers: MedGen C2677106, MONDO:0012828, OMIM 612240.

Allele frequency attached by ClinVar (database versions not stated): TOPMed below 0.00001; gnomAD 0.00001; gnomAD exomes 0.00007.

Submissions (2):

Ambry Genetics
Classification: Uncertain significance for Inborn genetic diseases. Last evaluated: 2025-08-19. Review status: criteria provided, single submitter. Criteria: Ambry Variant Classification Scheme 2023. Collection method: clinical testing. Allele origin: germline.

Labcorp Genetics (formerly Invitae), Labcorp
Classification: Uncertain significance for Atrial fibrillation, familial, 7. Last evaluated: 2022-06-22. Review status: criteria provided, single submitter. Criteria: Invitae Variant Classification Sherloc (09022015). Collection method: clinical testing. Allele origin: germline.
Comment: In summary, the available evidence is currently insufficient to determine the role of this variant in disease. Therefore, it has been classified as a Variant of Uncertain Significance. This variant has not been reported in the literature in individuals affected with KCNA5-related conditions. This sequence change replaces leucine, which is neutral and non-polar, with phenylalanine, which is neutral and non-polar, at codon 78 of the KCNA5 protein (p.Leu78Phe). This variant is present in population databases (no rsID available, gnomAD 0.007%). Algorithms developed to predict the effect of missense changes on protein structure and function (SIFT, PolyPhen-2, Align-GVGD) all suggest that this variant is likely to be tolerated.